The following is an entry in ClinVar:

ClinVar aggregate classification (germline): Pathogenic. Review status: criteria provided, multiple submitters, no conflicts (2 of 4 stars). 3 submissions from 3 submitters: Pathogenic (3). Last evaluated 2025-04-17.

Conditions:
RPE65-related recessive retinopathy. Also called: Recessive RPE65 retinopathy. Identifiers: MedGen CN305526, MONDO:0100368.
Leber congenital amaurosis 2 (LCA2). Also called: AMAUROSIS CONGENITA OF LEBER II; Autosomal Recessive RPE65-Related Retinal Degeneration. Identifiers: Orphanet 65, MedGen C1859844, MONDO:0008765, OMIM 204100. Disease mechanism: loss of function.
Retinitis pigmentosa 20 (RP20). Identifiers: Orphanet 791, MedGen C3151086, MONDO:0013425, OMIM 613794.

Allele frequency attached by ClinVar (database versions not stated): gnomAD 0.00001.

Submissions (3):

Labcorp Genetics (formerly Invitae), Labcorp
Classification: Pathogenic for Leber congenital amaurosis 2; Retinitis pigmentosa 20. Last evaluated: 2025-04-17. Review status: criteria provided, single submitter. Criteria: Invitae Variant Classification Sherloc (09022015). Collection method: clinical testing. Allele origin: germline.
Comment: This sequence change creates a premature translational stop signal (p.Gln165*) in the RPE65 gene. It is expected to result in an absent or disrupted protein product. Loss-of-function variants in RPE65 are known to be pathogenic (PMID: 9326941, 9501220, 9843205, 18632300). This variant is present in population databases (no rsID available, gnomAD 0.06%). This premature translational stop signal has been observed in individuals with inherited retinal dystrophy (PMID: 26047050, 30996589). It has also been observed to segregate with disease in related individuals. ClinVar contains an entry for this variant (Variation ID: 1457635). Algorithms developed to predict the effect of sequence changes on RNA splicing suggest that this variant may disrupt the consensus splice site. For these reasons, this variant has been classified as Pathogenic.

Myriad Genetics, Inc.
Classification: Pathogenic for RPE65-related recessive retinopathy. Last evaluated: 2024-05-14. Review status: criteria provided, single submitter. Criteria: Myriad Autosomal Dominant, Autosomal Recessive and X-Linked Classification Criteria (2023). Collection method: clinical testing. Allele origin: unknown.
Comment: NM_000329.2(RPE65):c.493C>T(Q165*) is expected to be pathogenic in the context of inherited retinal dystrophy, RPE65-related. This variant is predicted to lead to an abnormal or absent protein product due to the creation of a premature termination codon in RPE65, a gene where loss-of-function variants are known to be pathogenic. Please note: this variant was assessed in the context of healthy population screening.

Baylor Genetics
Classification: Pathogenic for Leber congenital amaurosis 2. Last evaluated: 2023-05-03. Review status: criteria provided, single submitter. Criteria: ACMG Guidelines, 2015. Collection method: clinical testing. Allele origin: unknown.

Literature cited by the submitters: PubMed 9326941 (cited by Labcorp Genetics (formerly Invitae), Labcorp); PubMed 9501220 (cited by Labcorp Genetics (formerly Invitae), Labcorp); PubMed 9843205 (cited by Labcorp Genetics (formerly Invitae), Labcorp); PubMed 18632300 (cited by Labcorp Genetics (formerly Invitae), Labcorp); PubMed 26047050 (cited by Labcorp Genetics (formerly Invitae), Labcorp); PubMed 30996589 (cited by Labcorp Genetics (formerly Invitae), Labcorp).

NM_000329.3(RPE65):c.493C>T (p.Gln165Ter)

Gene: RPE65 (retinoid isomerohydrolase RPE65; minus strand). Cytogenetic location: 1p31.3.
Variant type: single nucleotide variant.
Coding change: c.493C>T on transcript NM_000329.3 (MANE Select); coding-DNA position 493, C replaced by T.
Protein change: p.Gln165Ter; replaces glutamine 165 with a stop codon.
Molecular consequence: nonsense.
Genome position (GRCh38, 1-based): chr1:68,444,533, G>A on the plus strand (C>T on the coding strand, the complement: RPE65 is on the minus strand). VCF-style: chr1-68444533-G-A. GRCh37 (hg19) VCF-style: chr1-68910216-G-A.
Other names: short protein forms Q165*.
Identifiers: ClinVar variation 1457635 (VCV001457635.10), dbSNP rs1202384396, ClinGen allele CA340747340.